The following is an entry in ClinVar:

NM_001382273.1(TNK2):c.1921G>A (p.Ala641Thr)

Gene: TNK2 (tyrosine kinase non receptor 2; minus strand). Cytogenetic location: 3q29.
Variant type: single nucleotide variant.
Coding change: c.1921G>A on transcript NM_001382273.1 (MANE Select); coding-DNA position 1921, G replaced by A.
Protein change: p.Ala641Thr; replaces alanine 641 with threonine.
Molecular consequence: missense variant. On other transcripts: non-coding transcript variant (15).
Genome position (GRCh38, 1-based): chr3:195,868,377, C>T on the plus strand (G>A on the coding strand, the complement: TNK2 is on the minus strand). VCF-style: chr3-195868377-C-T. GRCh37 (hg19) VCF-style: chr3-195595248-C-T.
Other names: c.1993G>A, p.Ala665Thr (NM_001010938.2, NM_001382272.1); c.1972G>A, p.Ala658Thr (NM_001308046.2, NM_001382271.1); c.1921G>A, p.Ala641Thr (NM_001382274.1, NM_001387716.1, NM_001387717.1 and 1 more transcripts); c.2017G>A, p.Ala673Thr (NM_001382275.1, NM_001387707.1); c.1876G>A, p.Ala626Thr (NM_001386164.1, NM_001387709.1, NM_001387710.1 and 8 more transcripts); c.1948G>A, p.Ala650Thr (NM_001387708.1, NM_001387715.1); short protein forms A641T, A626T, A650T, A658T, A665T, A673T.
Identifiers: ClinVar variation 1972941 (VCV001972941.6), dbSNP rs577968963, ClinGen allele CA2776151.
Genomic context (GRCh38, chr3:195,868,377, plus strand): 5'-CAAAGTCATCCTCATCCTGGGCCACGTCGTCATAGGCGGGCGGGGGGGGCAGCGGGCGTG[C>T]GTCCCAGTCCACCACAGGCGTGGGGTGCAGGGGCCGGGGCAGTGCCCGCGTGGGGCTCTG-3'
Protein context (NP_001369202.1, residues 631-651): LHPTPVVDWD[Ala641Thr]RPLPPPPAYD

ClinVar aggregate classification (germline): Uncertain significance. Review status: criteria provided, multiple submitters, no conflicts (2 of 4 stars). 2 submissions from 2 submitters: Uncertain significance (2). Last evaluated 2022-07-28.

Allele frequency attached by ClinVar (database versions not stated): gnomAD exomes 0.00003; gnomAD 0.00005; TOPMed 0.00005; ExAC 0.00009; 1000 Genomes Project 30x 0.00016; 1000 Genomes Project 0.00020.
gnomAD v4.1: 54 of 1,592,164 alleles (0.0034%); highest among the groups gnomAD compares: East Asian, 0.063%; no homozygotes.

Submissions (2):

Labcorp Genetics (formerly Invitae), Labcorp
Classification: Uncertain significance. Last evaluated: 2022-07-28. Review status: criteria provided, single submitter. Criteria: Invitae Variant Classification Sherloc (09022015). Collection method: clinical testing. Allele origin: germline.
Comment: This sequence change replaces alanine, which is neutral and non-polar, with threonine, which is neutral and polar, at codon 704 of the TNK2 protein (p.Ala704Thr). In summary, the available evidence is currently insufficient to determine the role of this variant in disease. Therefore, it has been classified as a Variant of Uncertain Significance. Algorithms developed to predict the effect of missense changes on protein structure and function output the following: SIFT: "Tolerated"; PolyPhen-2: "Benign"; Align-GVGD: "Class C0". The threonine amino acid residue is found in multiple mammalian species, which suggests that this missense change does not adversely affect protein function. This variant has not been reported in the literature in individuals affected with TNK2-related conditions. This variant is present in population databases (rs577968963, gnomAD 0.1%), and has an allele count higher than expected for a pathogenic variant.

Ambry Genetics
Classification: Uncertain significance. Last evaluated: 2021-12-14. Review status: criteria provided, single submitter. Criteria: Ambry Variant Classification Scheme 2023. Collection method: clinical testing. Allele origin: germline.